The following is an entry in ClinVar:

ClinVar aggregate classification (germline): Likely benign (1 of 4 stars; one submission).

Allele frequency attached by ClinVar (database versions not stated): ExAC 0.00003; gnomAD 0.00003; TOPMed 0.00003; ESP Exome Variant Server 0.00017.
gnomAD v4.1: 27 of 1,557,382 alleles (0.0017%); highest among the groups gnomAD compares: Non-Finnish European, 0.002%; no homozygotes.

Submission:

CeGaT Center for Human Genetics Tuebingen
Classification: Likely benign. Last evaluated: 2022-06-01. Review status: criteria provided, single submitter. Criteria: CeGaT Center For Human Genetics Tuebingen Variant Classification Criteria Version 2. Collection method: clinical testing. Allele origin: germline. Affected: yes. Observed: 1 variant allele.
Comment: PDS5A: BP4, BP7

NM_001100399.2(PDS5A):c.693A>G (p.Leu231=)

Gene: PDS5A (PDS5 cohesin associated factor A; minus strand). Cytogenetic location: 4p14.
Variant type: single nucleotide variant.
Coding change: c.693A>G on transcript NM_001100399.2 (MANE Select); coding-DNA position 693, A replaced by G.
Protein change: p.Leu231=; no amino-acid change (leucine 231 retained).
Molecular consequence: synonymous variant.
Genome position (GRCh38, 1-based): chr4:39,920,361, T>C on the plus strand (A>G on the coding strand, the complement: PDS5A is on the minus strand). VCF-style: chr4-39920361-T-C. GRCh37 (hg19) VCF-style: chr4-39921981-T-C.
Other names: c.693A>G, p.Leu231= (NM_001100400.2).
Identifiers: ClinVar variation 2654733 (VCV002654733.24), dbSNP rs377653620, ClinGen allele CA2896210.